The following is an entry in ClinVar:

NM_017763.6(RNF43):c.1187C>T (p.Pro396Leu)

Gene: RNF43 (ring finger protein 43; minus strand). Cytogenetic location: 17q22.
Variant type: single nucleotide variant.
Coding change: c.1187C>T on transcript NM_017763.6 (MANE Select); coding-DNA position 1187, C replaced by T.
Protein change: p.Pro396Leu; replaces proline 396 with leucine.
Molecular consequence: missense variant.
Genome position (GRCh38, 1-based): chr17:58,358,589, G>A on the plus strand (C>T on the coding strand, the complement: RNF43 is on the minus strand). VCF-style: chr17-58358589-G-A. GRCh37 (hg19) VCF-style: chr17-56435950-G-A.
Other names: c.1187C>T, p.Pro396Leu (NM_001305544.3, NM_001438820.1, NM_001438821.1 and 1 more transcripts); c.806C>T, p.Pro269Leu (NM_001305545.2, NM_001437987.1); short protein forms P269L, P396L.
Identifiers: ClinVar variation 4579021 (VCV004579021.1).

ClinVar aggregate classification (germline): Uncertain significance (1 of 4 stars; one submission).

Submission:

Ambry Genetics
Classification: Uncertain significance. Last evaluated: 2025-12-13. Review status: criteria provided, single submitter. Criteria: Ambry Variant Classification Scheme 2023. Collection method: clinical testing. Allele origin: germline.
Comment: The p.P396L variant (also known as c.1187C>T), located in coding exon 8 of the RNF43 gene, results from a C to T substitution at nucleotide position 1187. The proline at codon 396 is replaced by leucine, an amino acid with similar properties. This amino acid position is conserved. In addition, this alteration is predicted to be tolerated by in silico analysis. Based on the available evidence, the clinical significance of this variant remains unclear.